The following is an entry in ClinVar:

NM_002474.3(MYH11):c.1338G>A (p.Lys446=)

Gene: MYH11 (myosin heavy chain 11; minus strand). Cytogenetic location: 16p13.11.
Variant type: single nucleotide variant.
Coding change: c.1338G>A on transcript NM_002474.3 (MANE Select); coding-DNA position 1338, G replaced by A.
Protein change: p.Lys446=; no amino-acid change (lysine 446 retained).
Molecular consequence: synonymous variant.
Genome position (GRCh38, 1-based): chr16:15,759,639, C>T on the plus strand (G>A on the coding strand, the complement: MYH11 is on the minus strand). VCF-style: chr16-15759639-C-T. GRCh37 (hg19) VCF-style: chr16-15853496-C-T.
Other names: c.1359G>A, p.Lys453= (NM_001040113.2, NM_001040114.2); c.1338G>A, p.Lys446= (NM_022844.3).
Identifiers: ClinVar variation 3387240 (VCV003387240.1).

ClinVar aggregate classification (germline): Likely benign (1 of 4 stars; one submission).

Conditions:
Familial thoracic aortic aneurysm and aortic dissection (TAAD). Also called: Thoracic aortic aneurysms and dissections. Identifiers: Orphanet 91387, MedGen C4707243, MONDO:0019625.

Submission:

All of Us Research Program, National Institutes of Health
Classification: Likely benign for Familial thoracic aortic aneurysm and aortic dissection. Last evaluated: 2024-08-23. Review status: criteria provided, single submitter. Criteria: ACMG Guidelines, 2015. Collection method: clinical testing. Allele origin: germline. Inheritance: Autosomal dominant inheritance. Observed: 1 variant allele, 1 heterozygote.
Comment: This study involves interpretation of variants in research participants for the purpose of population health screening. Participant phenotype was not available at the time of variant classification. Additional details can be found in publication PMID: 35346344, PMCID: PMC8962531